The following is an entry in ClinVar:

ClinVar aggregate classification (germline): Uncertain significance. Review status: criteria provided, multiple submitters, no conflicts (2 of 4 stars). 4 submissions from 4 submitters: Uncertain significance (4). Last evaluated 2024-12-31.

Allele frequency attached by ClinVar (database versions not stated): TOPMed 0.00003; ExAC 0.00004; gnomAD 0.00005 and 0.00006; ESP Exome Variant Server 0.00008.
gnomAD v4.1: 89 of 1,613,926 alleles (0.0055%); highest among the groups gnomAD compares: Admixed American, 0.015%; no homozygotes.

Submissions (4):

Labcorp Genetics (formerly Invitae), Labcorp
Classification: Uncertain significance. Last evaluated: 2024-12-31. Review status: criteria provided, single submitter. Criteria: Invitae Variant Classification Sherloc (09022015). Collection method: clinical testing. Allele origin: germline.
Comment: This sequence change replaces glycine, which is neutral and non-polar, with arginine, which is basic and polar, at codon 365 of the TUBA8 protein (p.Gly365Arg). This variant is present in population databases (rs142396178, gnomAD 0.006%). This variant has not been reported in the literature in individuals affected with TUBA8-related conditions. ClinVar contains an entry for this variant (Variation ID: 235703). An algorithm developed to predict the effect of missense changes on protein structure and function (PolyPhen-2) suggests that this variant is likely to be disruptive. In summary, the available evidence is currently insufficient to determine the role of this variant in disease. Therefore, it has been classified as a Variant of Uncertain Significance.

Ambry Genetics
Classification: Uncertain significance. Last evaluated: 2024-07-26. Review status: criteria provided, single submitter. Criteria: Ambry Variant Classification Scheme 2023. Collection method: clinical testing. Allele origin: germline.

GeneDx
Classification: Uncertain significance. Last evaluated: 2017-06-09. Review status: criteria provided, single submitter. Criteria: GeneDx Variant Classification (06012015). Collection method: clinical testing. Allele origin: germline. Affected: yes.
Comment: A variant of uncertain significance has been identified in the TUBA8 gene. The G365R variant has not been published as a pathogenic variant, nor has it been reported as a benign variant to our knowledge. The G365R variant is observed in 4/66038 (0.01%) alleles from individuals of European background, in the ExAC dataset (Lek et al., 2016; 1000 Genomes Consortium et al., 2015; Exome Variant Server). The G365R variant is a non-conservative amino acid substitution, which is likely to impact secondary protein structure as these residues differ in polarity, charge, size and/or other properties. This substitution occurs at a position that is conserved across species, and in silico analysis predicts this variant is probably damaging to the protein structure/function. However, missense variants in nearby residues have not been reported in the Human Gene Mutation Database in association with TUBA8 (Stenson et al., 2014). Therefore, based on the currently available information, it is unclear whether this variant is a pathogenic variant or a rare benign variant.

Center for Pediatric Genomic Medicine, Children's Mercy Hospital and Clinics
Classification: Uncertain significance. Last evaluated: 2016-01-11. Review status: criteria provided, single submitter. Criteria: ACMG Guidelines, 2015. Collection method: clinical testing. Allele origin: germline.
ClinVar note: Converted during submission from Uncertain Significance to Uncertain significance.

NM_018943.3(TUBA8):c.1093G>A (p.Gly365Arg)

Gene: TUBA8 (tubulin alpha 8; plus strand). Cytogenetic location: 22q11.21.
Variant type: single nucleotide variant.
Coding change: c.1093G>A on transcript NM_018943.3 (MANE Select); coding-DNA position 1093, G replaced by A.
Protein change: p.Gly365Arg; replaces glycine 365 with arginine.
Molecular consequence: missense variant.
Genome position (GRCh38, 1-based): chr22:18,130,879, G>A. VCF-style: chr22-18130879-G-A. GRCh37 (hg19) VCF-style: chr22-18613646-G-A.
Other names: c.895G>A, p.Gly299Arg (NM_001193414.2); short protein forms G365R, G299R.
Identifiers: ClinVar variation 235703 (VCV000235703.10), dbSNP rs142396178, ClinGen allele CA10093840.